The following is an entry in ClinVar:

NM_013347.4(RPA4):c.568G>T (p.Ala190Ser)

Genes: DIAPH2 (diaphanous related formin 2; plus strand), RPA4 (replication protein A4; plus strand). Cytogenetic location: Xq21.33.
Variant type: single nucleotide variant.
Coding change: c.568G>T on transcript NM_013347.4 (MANE Select); coding-DNA position 568, G replaced by T.
Protein change: p.Ala190Ser; replaces alanine 190 with serine.
Molecular consequence: missense variant. On other transcripts: intron variant (2).
Genome position (GRCh38, 1-based): chrX:96,884,878, G>T. VCF-style: chrX-96884878-G-T. GRCh37 (hg19) VCF-style: chrX-96139877-G-T.
Other names: c.587+3160G>T (NM_006729.5, NM_007309.4); short protein forms A190S.
Identifiers: ClinVar variation 2344433 (VCV002344433.24), dbSNP rs200380831, ClinGen allele CA10468007.

ClinVar aggregate classification (germline): Conflicting classifications of pathogenicity. Review status: criteria provided, conflicting classifications (1 of 4 stars). 2 submissions from 2 submitters: Uncertain significance (1); Likely benign (1). Last evaluated 2024-02-01.

Allele frequency attached by ClinVar (database versions not stated): ExAC 0.00011; TOPMed 0.00012; gnomAD 0.00014; ESP Exome Variant Server 0.00019; gnomAD exomes 0.00048.
gnomAD v4.1: 523 of 1,208,985 alleles (0.043%); highest among the groups gnomAD compares: Non-Finnish European, 0.057%; no homozygotes.

Submissions (2):

CeGaT Center for Human Genetics Tuebingen
Classification: Likely benign. Last evaluated: 2024-02-01. Review status: criteria provided, single submitter. Criteria: CeGaT Center For Human Genetics Tuebingen Variant Classification Criteria Version 2. Collection method: clinical testing. Allele origin: germline. Affected: yes. Observed: 1 variant allele.
Comment: RPA4: BP4, BS2

Ambry Genetics
Classification: Uncertain significance. Last evaluated: 2021-09-27. Review status: criteria provided, single submitter. Criteria: Ambry Variant Classification Scheme 2023. Collection method: clinical testing. Allele origin: germline.